The following is an entry in ClinVar:

NM_015164.4(PLEKHM2):c.2518G>A (p.Ala840Thr)

Gene: PLEKHM2 (pleckstrin homology and RUN domain containing M2; plus strand). Cytogenetic location: 1p36.21.
Variant type: single nucleotide variant.
Coding change: c.2518G>A on transcript NM_015164.4 (MANE Select); coding-DNA position 2518, G replaced by A.
Protein change: p.Ala840Thr; replaces alanine 840 with threonine.
Molecular consequence: missense variant.
Genome position (GRCh38, 1-based): chr1:15,731,941, G>A. VCF-style: chr1-15731941-G-A. GRCh37 (hg19) VCF-style: chr1-16058436-G-A.
Other names: short protein forms A840T.
Identifiers: ClinVar variation 478087 (VCV000478087.15), dbSNP rs199578594, ClinGen allele CA617284.

ClinVar aggregate classification (germline): Conflicting classifications of pathogenicity. Review status: criteria provided, conflicting classifications (1 of 4 stars). 3 submissions from 3 submitters: Uncertain significance (1); Likely benign (1). 1 of the submissions does not count toward it. Last evaluated 2025-12-15.

Conditions:
PLEKHM2-related disorder. Also called: PLEKHM2-related condition.

Allele frequency attached by ClinVar (database versions not stated): gnomAD exomes 0.00007 and 0.00031; 1000 Genomes Project 30x 0.00016; gnomAD 0.00018; 1000 Genomes Project 0.00020; ExAC 0.00026; TOPMed 0.00042.
gnomAD v4.1: 128 of 1,611,712 alleles (0.0079%); highest among the groups gnomAD compares: Admixed American, 0.18%; no homozygotes.

Submissions (3):

Labcorp Genetics (formerly Invitae), Labcorp
Classification: Likely benign. Last evaluated: 2025-12-15. Review status: criteria provided, single submitter. Criteria: Invitae Variant Classification Sherloc (09022015). Collection method: clinical testing. Allele origin: germline.

Ambry Genetics
Classification: Uncertain significance. Last evaluated: 2023-06-22. Review status: criteria provided, single submitter. Criteria: Ambry Variant Classification Scheme 2023. Collection method: clinical testing. Allele origin: germline.

PreventionGenetics, part of Exact Sciences
Classification: Likely benign for PLEKHM2-related condition. Last evaluated: 2023-05-18. Review status: no assertion criteria provided. Collection method: clinical testing. Allele origin: germline. Not counted in ClinVar's aggregate classification.
Comment: This variant is classified as likely benign based on ACMG/AMP sequence variant interpretation guidelines (Richards et al. 2015 PMID: 25741868, with internal and published modifications).